The following is an entry in ClinVar:

ClinVar aggregate classification (germline): Uncertain significance (1 of 4 stars; one submission).

Allele frequency attached by ClinVar (database versions not stated): ExAC 0.00001; gnomAD 0.00001; gnomAD exomes 0.00003; ESP Exome Variant Server 0.00008.
gnomAD v4.1: 51 of 1,613,408 alleles (0.0032%); highest among the groups gnomAD compares: Non-Finnish European, 0.0042%; no homozygotes.

Submission:

Labcorp Genetics (formerly Invitae), Labcorp
Classification: Uncertain significance. Last evaluated: 2023-08-10. Review status: criteria provided, single submitter. Criteria: Invitae Variant Classification Sherloc (09022015). Collection method: clinical testing. Allele origin: germline.
Comment: In summary, the available evidence is currently insufficient to determine the role of this variant in disease. Therefore, it has been classified as a Variant of Uncertain Significance. Advanced modeling of protein sequence and biophysical properties (such as structural, functional, and spatial information, amino acid conservation, physicochemical variation, residue mobility, and thermodynamic stability) performed at Invitae indicates that this missense variant is expected to disrupt COL7A1 protein function. This sequence change replaces tryptophan, which is neutral and slightly polar, with glycine, which is neutral and non-polar, at codon 706 of the COL7A1 protein (p.Trp706Gly). This variant is present in population databases (rs372197459, gnomAD 0.004%). This variant has not been reported in the literature in individuals affected with COL7A1-related conditions. ClinVar contains an entry for this variant (Variation ID: 1922905).

NM_000094.4(COL7A1):c.2116T>G (p.Trp706Gly)

Gene: COL7A1 (collagen type VII alpha 1 chain; minus strand). Cytogenetic location: 3p21.31.
Variant type: single nucleotide variant.
Coding change: c.2116T>G on transcript NM_000094.4 (MANE Select); coding-DNA position 2116, T replaced by G.
Protein change: p.Trp706Gly; replaces tryptophan 706 with glycine.
Molecular consequence: missense variant.
Genome position (GRCh38, 1-based): chr3:48,589,653, A>C on the plus strand (T>G on the coding strand, the complement: COL7A1 is on the minus strand). VCF-style: chr3-48589653-A-C. GRCh37 (hg19) VCF-style: chr3-48627086-A-C.
Other names: short protein forms W706G.
Identifiers: ClinVar variation 1922905 (VCV001922905.5), dbSNP rs372197459, ClinGen allele CA2380988.